The following is an entry in ClinVar:

ClinVar aggregate classification (germline): Uncertain significance. Review status: criteria provided, multiple submitters, no conflicts (2 of 4 stars). 4 submissions from 4 submitters: Uncertain significance (4). Last evaluated 2025-12-23.

Conditions:
PDE6C-related disorder. Also called: PDE6C-related condition.

Allele frequency attached by ClinVar (database versions not stated): gnomAD 0.00003 and 0.00004; gnomAD exomes 0.00003 and 0.00002; TOPMed 0.00004; ExAC 0.00003.

Submissions (4):

PreventionGenetics, part of Exact Sciences
Classification: Uncertain significance for PDE6C-related condition. Last evaluated: 2025-12-23. Review status: criteria provided, single submitter. Criteria: ACMG Guidelines, 2015. Collection method: clinical testing. Allele origin: germline.
Comment: The PDE6C c.1967G>A variant is predicted to result in the amino acid substitution p.Arg656Gln. To our knowledge, this variant has not been reported in the literature. This variant is reported in 0.0056% of alleles in individuals of Latino descent in gnomAD. At this time, the clinical significance of this variant is uncertain due to the absence of conclusive functional and genetic evidence.

Labcorp Genetics (formerly Invitae), Labcorp
Classification: Uncertain significance. Last evaluated: 2025-06-24. Review status: criteria provided, single submitter. Criteria: Invitae Variant Classification Sherloc (09022015). Collection method: clinical testing. Allele origin: germline.
Comment: This sequence change replaces arginine, which is basic and polar, with glutamine, which is neutral and polar, at codon 656 of the PDE6C protein (p.Arg656Gln). This variant is present in population databases (rs770918079, gnomAD 0.005%). This variant has not been reported in the literature in individuals affected with PDE6C-related conditions. ClinVar contains an entry for this variant (Variation ID: 194642). Invitae Evidence Modeling of protein sequence and biophysical properties (such as structural, functional, and spatial information, amino acid conservation, physicochemical variation, residue mobility, and thermodynamic stability) has been performed for this missense variant. However, the output from this modeling did not meet the statistical confidence thresholds required to predict the impact of this variant on PDE6C protein function. In summary, the available evidence is currently insufficient to determine the role of this variant in disease. Therefore, it has been classified as a Variant of Uncertain Significance.

Blueprint Genetics
Classification: Uncertain significance. Last evaluated: 2019-02-21. Review status: criteria provided, single submitter. Criteria: ACMG Guidelines, 2015. Collection method: clinical testing. Allele origin: germline.

Eurofins Ntd Llc (ga)
Classification: Uncertain significance. Last evaluated: 2014-06-10. Review status: criteria provided, single submitter. Criteria: EGL Classification Definitions 2015. Collection method: clinical testing. Allele origin: germline. Observed: 1 variant allele, 1 heterozygote.

NM_006204.4(PDE6C):c.1967G>A (p.Arg656Gln)

Gene: PDE6C (phosphodiesterase 6C; plus strand). Cytogenetic location: 10q23.33.
Variant type: single nucleotide variant.
Coding change: c.1967G>A on transcript NM_006204.4 (MANE Select); coding-DNA position 1967, G replaced by A.
Protein change: p.Arg656Gln; replaces arginine 656 with glutamine.
Molecular consequence: missense variant.
Genome position (GRCh38, 1-based): chr10:93,655,791, G>A. VCF-style: chr10-93655791-G-A. GRCh37 (hg19) VCF-style: chr10-95415548-G-A.
Other names: c.1967G>A (NM_006204.3); short protein forms R656Q.
Identifiers: ClinVar variation 194642 (VCV000194642.12), dbSNP rs770918079, ClinGen allele CA240728.